The following is an entry in ClinVar:

ClinVar aggregate classification (germline): Benign/Likely benign. Review status: criteria provided, multiple submitters, no conflicts (2 of 4 stars). 7 submissions from 7 submitters: Benign (3); Likely benign (1). 3 of the submissions do not count toward it. Last evaluated 2026-01-12.

Conditions:
Dilated cardiomyopathy 1AA (CMD1AA). Also called: CARDIOMYOPATHY, DILATED, 1AA, WITH OR WITHOUT LEFT VENTRICULAR NONCOMPACTION; CARDIOMYOPATHY, FAMILIAL HYPERTROPHIC, 23, WITH OR WITHOUT LEFT VENTRICULAR NONCOMPACTION; Cardiomyopathy, dilated, 1AA, with or without LVNC. Identifiers: Orphanet 154, MedGen C2677338, MONDO:0012808, OMIM 612158.
Primary familial hypertrophic cardiomyopathy (HCM). Identifiers: Orphanet 99739, MedGen C0949658, MeSH D024741, MONDO:0024573. Inheritance: Various modes of inheritance.

Allele frequency attached by ClinVar (database versions not stated): gnomAD exomes 0.00006 and 0.00009; ExAC 0.00009; TOPMed 0.00027; gnomAD 0.00032 and 0.00036; ESP Exome Variant Server 0.00054.
gnomAD v4.1: 141 of 1,614,026 alleles (0.0087%); highest among the groups gnomAD compares: African/African-American, 0.064%; no homozygotes.

Submissions (7):

Labcorp Genetics (formerly Invitae), Labcorp
Classification: Benign for Primary familial hypertrophic cardiomyopathy; Dilated cardiomyopathy 1AA. Last evaluated: 2026-01-12. Review status: criteria provided, single submitter. Criteria: Invitae Variant Classification Sherloc (09022015). Collection method: clinical testing. Allele origin: germline.

Women's Health and Genetics/Laboratory Corporation of America, LabCorp
Classification: Benign. Last evaluated: 2023-11-20. Review status: criteria provided, single submitter. Criteria: LabCorp Variant Classification Summary - May 2015. Collection method: clinical testing. Allele origin: germline.

Laboratory for Molecular Medicine, Mass General Brigham Personalized Medicine
Classification: Likely benign. Last evaluated: 2017-06-01. Review status: criteria provided, single submitter. Criteria: LMM Criteria. Collection method: clinical testing. Allele origin: germline. Observed: 1 variant allele.
Comment: c.1975-12C>T in intron 16 of ACTN2: This variant is not expected to have clinica l significance because a C>T change at this position does not diverge from the s plice consensus sequence and is therefore unlikely to impact splicing. It has b een identified in 20/24030 African chromosomes by the Genome Aggregation Databas e (gnomAD; dbSNP rs371352710).

GeneDx
Classification: Benign. Last evaluated: 2014-04-24. Review status: criteria provided, single submitter. Criteria: GeneDx Variant Classification (06012015). Collection method: clinical testing. Allele origin: germline. Affected: yes.
Comment: This variant is considered likely benign or benign based on one or more of the following criteria: it is a conservative change, it occurs at a poorly conserved position in the protein, it is predicted to be benign by multiple in silico algorithms, and/or has population frequency not consistent with disease.

Clinical Genetics, Academic Medical Center
Classification: Benign. Review status: no assertion criteria provided. Collection method: clinical testing. Allele origin: germline. Affected: yes. Study: VKGL Data-share Consensus. Not counted in ClinVar's aggregate classification.

Diagnostic Laboratory, Department of Genetics, University Medical Center Groningen
Classification: Likely benign for Dilated cardiomyopathy 1AA. Review status: no assertion criteria provided. Collection method: clinical testing. Allele origin: germline. Affected: yes. Study: VKGL Data-share Consensus. Not counted in ClinVar's aggregate classification.

Joint Genome Diagnostic Labs from Nijmegen and Maastricht, Radboudumc and MUMC+
Classification: Likely benign. Review status: no assertion criteria provided. Collection method: clinical testing. Allele origin: germline. Affected: yes. Study: VKGL Data-share Consensus. Not counted in ClinVar's aggregate classification.

NM_001103.4(ACTN2):c.1975-12C>T

Gene: ACTN2 (actinin alpha 2; plus strand). Cytogenetic location: 1q43.
Variant type: single nucleotide variant.
Coding change: c.1975-12C>T on transcript NM_001103.4 (MANE Select); 12 bases into the intron before coding-DNA position 1975, C replaced by T.
Molecular consequence: intron variant.
Genome position (GRCh38, 1-based): chr1:236,755,007, C>T. VCF-style: chr1-236755007-C-T. GRCh37 (hg19) VCF-style: chr1-236918307-C-T.
Other names: c.1351-12C>T (NM_001278344.2); c.1975-12C>T (NM_001278343.2).
Identifiers: ClinVar variation 136288 (VCV000136288.17), dbSNP rs371352710, ClinGen allele CA333048.